The following is an entry in ClinVar:

ClinVar aggregate classification (germline): Uncertain significance (0 of 4 stars; one submission).

Conditions:
KMT2D-related disorder. Also called: KMT2D-Related Disorders.

Submission:

PreventionGenetics, part of Exact Sciences
Classification: Uncertain significance for KMT2D-related condition. Last evaluated: 2023-12-08. Review status: no assertion criteria provided. Collection method: clinical testing. Allele origin: germline.
Comment: The KMT2D c.10036T>G variant is predicted to result in the amino acid substitution p.Ser3346Ala. To our knowledge, this variant has not been reported in the literature or in a large population database, indicating this variant is rare. Alternative variant at this codon p.Ser3346Phe was reported in homozygous state in an individual with speech delay and seizures and was assessed as variant of unknown significance (TableS1, Monies et al. 2019. PubMed ID: 31130284). At this time, the clinical significance of p.Ser3346Ala variant is uncertain due to the absence of conclusive functional and genetic evidence.

NM_003482.4(KMT2D):c.10036T>G (p.Ser3346Ala)

Gene: KMT2D (lysine methyltransferase 2D; minus strand). Cytogenetic location: 12q13.12.
Variant type: single nucleotide variant.
Coding change: c.10036T>G on transcript NM_003482.4 (MANE Select); coding-DNA position 10036, T replaced by G.
Protein change: p.Ser3346Ala; replaces serine 3346 with alanine.
Molecular consequence: missense variant.
Genome position (GRCh38, 1-based): chr12:49,037,320, A>C on the plus strand (T>G on the coding strand, the complement: KMT2D is on the minus strand). VCF-style: chr12-49037320-A-C. GRCh37 (hg19) VCF-style: chr12-49431103-A-C.
Other names: short protein forms S3346A.
Identifiers: ClinVar variation 3032079 (VCV003032079.2), dbSNP rs2120477215, ClinGen allele CA384732973.